The following is an entry in ClinVar:

NM_001982.4(ERBB3):c.874+1G>A

Gene: ERBB3 (erb-b2 receptor tyrosine kinase 3; plus strand). Cytogenetic location: 12q13.2.
Variant type: single nucleotide variant.
Coding change: c.874+1G>A on transcript NM_001982.4 (MANE Select); the canonical splice donor site of the intron after coding-DNA position 874, G replaced by A.
Molecular consequence: splice donor variant.
Genome position (GRCh38, 1-based): chr12:56,088,163, G>A. VCF-style: chr12-56088163-G-A. GRCh37 (hg19) VCF-style: chr12-56481947-G-A.
Identifiers: ClinVar variation 4293323 (VCV004293323.1).
Genomic context (GRCh38, chr12:56,088,163, plus strand): 5'-TGGAACCCAATCCCCACACCAAGTATCAGTATGGAGGAGTTTGTGTAGCCAGCTGTCCCC[G>A]TAAGTGTCTGAGGGGAAGGAACAATGATCAACAATAGTAGATCCAAGATTTTAGACAAAA-3'

ClinVar aggregate classification (germline): Likely pathogenic (1 of 4 stars; one submission).

Conditions:
Visceral neuropathy, familial, 1, autosomal recessive (VSCN1). Identifiers: Orphanet 99811, MedGen C1855733, MONDO:8000011, OMIM 243180.

gnomAD v4.1: 11 of 1,613,892 alleles (0.00068%); highest among the groups gnomAD compares: East Asian, 0.0022%; no homozygotes.

Submission:

3billion
Classification: Likely pathogenic for Visceral neuropathy, familial, 1, autosomal recessive. Last evaluated: 2024-08-08. Review status: criteria provided, single submitter. Criteria: ACMG Guidelines, 2015. Collection method: clinical testing. Allele origin: germline. Affected: yes.
Comment: The variant is observed at an extremely low frequency in the gnomAD v4.0.0 dataset (total allele frequency: <0.001%). Predicted Consequence/Location: Canonical splice site: predicted to alter splicing and result in a loss or disruption of normal protein function. Multiple pathogenic loss-of-function variants are reported downstream of the variant. In silico tools predict the variant to alter splicing and produce an abnormal transcript [SpliceAI: 0.99 (spliceogenicity >=0.2, non-spliceogenicity <0.1)]. The variant has been reported as of uncertain significance (PMID: 26689913). Therefore, this variant is classified as Likely pathogenic according to the recommendation of ACMG/AMP guideline.